The following is an entry in ClinVar:

ClinVar aggregate classification (germline): Conflicting classifications of pathogenicity. Review status: criteria provided, conflicting classifications (1 of 4 stars). 2 submissions from 2 submitters: Uncertain significance (1); Likely benign (1). Last evaluated 2024-12-11.

Conditions:
TJP2-related disorder. Also called: TJP2-related condition.

Allele frequency attached by ClinVar (database versions not stated): gnomAD exomes 0.00001; TOPMed 0.00001; gnomAD 0.00002.
gnomAD v4.1: 11 of 1,596,822 alleles (0.00069%); highest among the groups gnomAD compares: African/African-American, 0.0054%; no homozygotes.

Submissions (2):

PreventionGenetics, part of Exact Sciences
Classification: Likely benign for TJP2-related condition. Last evaluated: 2024-12-11. Review status: criteria provided, single submitter. Criteria: ACMG Guidelines, 2015. Collection method: clinical testing. Allele origin: germline.
Comment: This variant is classified as likely benign based on ACMG/AMP sequence variant interpretation guidelines (Richards et al. 2015 PMID: 25741868, with internal and published modifications).

Eurofins Ntd Llc (ga)
Classification: Uncertain significance. Last evaluated: 2017-02-22. Review status: criteria provided, single submitter. Criteria: EGL Classification Definitions 2015. Collection method: clinical testing. Allele origin: germline. Observed: 1 variant allele, 1 heterozygote.

NM_004817.4(TJP2):c.630G>A (p.Ala210=)

Gene: TJP2 (tight junction protein 2; plus strand). Cytogenetic location: 9q21.11.
Variant type: single nucleotide variant.
Coding change: c.630G>A on transcript NM_004817.4 (MANE Select); coding-DNA position 630, G replaced by A.
Protein change: p.Ala210=; no amino-acid change (alanine 210 retained).
Molecular consequence: synonymous variant.
Genome position (GRCh38, 1-based): chr9:69,221,174, G>A. VCF-style: chr9-69221174-G-A. GRCh37 (hg19) VCF-style: chr9-71836090-G-A.
Other names: c.561G>A, p.Ala187= (NM_001170414.2, NM_001369870.1, NM_001369871.1); c.642G>A, p.Ala214= (NM_001170415.1, NM_001369874.1, NM_001369875.1); c.723G>A, p.Ala241= (NM_001170416.2); c.630G>A, p.Ala210= (NM_001369872.1, NM_001369873.1, NM_201629.3 and 1 more transcripts); c.630G>A (NM_004817.3).
Identifiers: ClinVar variation 500572 (VCV000500572.6), dbSNP rs1004298993, ClinGen allele CA193353295.